The following is an entry in ClinVar:

ClinVar aggregate classification (germline): Uncertain significance (1 of 4 stars; one submission).

Submission:

Labcorp Genetics (formerly Invitae), Labcorp
Classification: Uncertain significance. Last evaluated: 2024-06-28. Review status: criteria provided, single submitter. Criteria: Invitae Variant Classification Sherloc (09022015). Collection method: clinical testing. Allele origin: germline.
Comment: This sequence change creates a premature translational stop signal (p.Gln373*) in the NKX2-1 gene. While this is not anticipated to result in nonsense mediated decay, it is expected to disrupt the last 29 amino acid(s) of the NKX2-1 protein. This variant is not present in population databases (gnomAD no frequency). This premature translational stop signal has been observed in individual(s) with NKX2-1-related conditions (PMID: 29569581). Experimental studies and prediction algorithms are not available or were not evaluated, and the functional significance of this variant is currently unknown. In summary, the available evidence is currently insufficient to determine the role of this variant in disease. Therefore, it has been classified as a Variant of Uncertain Significance.

Literature cited by the submitters: PubMed 29569581.

NM_001079668.3(NKX2-1):c.1117C>T (p.Gln373Ter)

Genes: NKX2-1 (NK2 homeobox 1; minus strand), SFTA3 (surfactant associated 3; minus strand). Cytogenetic location: 14q13.3.
Variant type: single nucleotide variant.
Coding change: c.1117C>T on transcript NM_001079668.3 (MANE Select); coding-DNA position 1117, C replaced by T.
Protein change: p.Gln373Ter; replaces glutamine 373 with a stop codon.
Molecular consequence: nonsense.
Genome position (GRCh38, 1-based): chr14:36,517,367, G>A on the plus strand (C>T on the coding strand, the complement: NKX2-1 is on the minus strand). VCF-style: chr14-36517367-G-A. GRCh37 (hg19) VCF-style: chr14-36986572-G-A.
Other names: c.1027C>T, p.Gln343Ter (NM_003317.4); short protein forms Q373*, Q343*.
Identifiers: ClinVar variation 3704452 (VCV003704452.2).